The following is an entry in ClinVar:

NM_000089.4(COL1A2):c.3001C>T (p.Pro1001Ser)

Gene: COL1A2 (collagen type I alpha 2 chain; plus strand). Cytogenetic location: 7q21.3.
Variant type: single nucleotide variant.
Coding change: c.3001C>T on transcript NM_000089.4 (MANE Select); coding-DNA position 3001, C replaced by T.
Protein change: p.Pro1001Ser; replaces proline 1001 with serine.
Molecular consequence: missense variant.
Genome position (GRCh38, 1-based): chr7:94,426,426, C>T. VCF-style: chr7-94426426-C-T. GRCh37 (hg19) VCF-style: chr7-94055738-C-T.
Other names: short protein forms P1001S.
Identifiers: ClinVar variation 3760572 (VCV003760572.2).
Genomic context (GRCh38, chr7:94,426,426, plus strand): 5'-AGTGAGTGCCATTTTTTTAAAACGGTAAGTCTTATCCATCCTTCTGTTTCTTTATAGGGC[C>T]CACAAGGCATTCGTGGCGATAAGGGAGAGCCCGGTGAAAAGGGGCCCAGAGGTCTTCCTG-3'
Protein context (NP_000080.2, residues 991-1011): GAVGPRGPSG[Pro1001Ser]QGIRGDKGEP

ClinVar aggregate classification (germline): Uncertain significance (1 of 4 stars; one submission).

Conditions:
Ehlers-Danlos syndrome, classic type, 1 (EDSCL1). Also called: EHLERS-DANLOS SYNDROME, GRAVIS TYPE; EHLERS-DANLOS SYNDROME, SEVERE CLASSIC TYPE; Ehlers-Danlos syndrome, type 1; Ehlers-Danlos Syndrome, Classic Type, COL5A1-Related; EDS I. Identifiers: MedGen C0268335, MONDO:0019567, OMIM 130000.
Osteogenesis imperfecta type I (OI1). Also called: OI, TYPE I; OSTEOGENESIS IMPERFECTA TARDA; OSTEOGENESIS IMPERFECTA WITH BLUE SCLERAE; Osteogenesis imperfecta type 1; Lobstein's Disease; Lobstein disease. Identifiers: Orphanet 216796, Orphanet 666, MedGen C0023931, MONDO:0008146, OMIM 166200. Disease mechanism: loss of function.

gnomAD v4.1: 5 of 1,592,730 alleles (0.00031%); highest among the groups gnomAD compares: African/African-American, 0.0054%; no homozygotes.

Submission:

Labcorp Genetics (formerly Invitae), Labcorp
Classification: Uncertain significance for Osteogenesis imperfecta type I; Ehlers-Danlos syndrome, classic type, 1. Last evaluated: 2024-06-20. Review status: criteria provided, single submitter. Criteria: Invitae Variant Classification Sherloc (09022015). Collection method: clinical testing. Allele origin: germline.
Comment: This sequence change replaces proline, which is neutral and non-polar, with serine, which is neutral and polar, at codon 1001 of the COL1A2 protein (p.Pro1001Ser). This variant is present in population databases (rs753397550, gnomAD 0.01%). This variant has not been reported in the literature in individuals affected with COL1A2-related conditions. Advanced modeling of protein sequence and biophysical properties (such as structural, functional, and spatial information, amino acid conservation, physicochemical variation, residue mobility, and thermodynamic stability) performed at Invitae indicates that this missense variant is not expected to disrupt COL1A2 protein function with a negative predictive value of 80%. In summary, the available evidence is currently insufficient to determine the role of this variant in disease. Therefore, it has been classified as a Variant of Uncertain Significance.